The following is an entry in ClinVar:

NM_001379286.1(ZNF423):c.1654G>A (p.Gly552Ser)

Gene: ZNF423 (zinc finger protein 423; minus strand). Cytogenetic location: 16q12.1.
Variant type: single nucleotide variant.
Coding change: c.1654G>A on transcript NM_001379286.1 (MANE Select); coding-DNA position 1654, G replaced by A.
Protein change: p.Gly552Ser; replaces glycine 552 with serine.
Molecular consequence: missense variant.
Genome position (GRCh38, 1-based): chr16:49,637,522, C>T on the plus strand (G>A on the coding strand, the complement: ZNF423 is on the minus strand). VCF-style: chr16-49637522-C-T. GRCh37 (hg19) VCF-style: chr16-49671433-C-T.
Other names: c.1450G>A, p.Gly484Ser (NM_001271620.2); c.1279G>A, p.Gly427Ser (NM_001330533.2); c.1630G>A, p.Gly544Ser (NM_015069.5); short protein forms G484S, G427S, G544S, G552S.
Identifiers: ClinVar variation 4993323 (VCV004993323.1).

ClinVar aggregate classification (germline): Uncertain significance (1 of 4 stars; one submission).

Conditions:
ZNF423-related disorder. Also called: ZNF423-related condition.

gnomAD v4.1: 2 of 1,613,956 alleles (0.00012%); highest among the groups gnomAD compares: East Asian, 0.0022%; no homozygotes.

Submission:

PreventionGenetics, part of Exact Sciences
Classification: Uncertain significance for ZNF423-related condition. Last evaluated: 2026-05-28. Review status: criteria provided, single submitter. Criteria: ACMG Guidelines, 2015. Collection method: clinical testing. Allele origin: germline.
Comment: The ZNF423 c.1630G>A variant is predicted to result in the amino acid substitution p.Gly544Ser. To our knowledge, this variant has not been reported in the literature or in a large population database (gnomAD), indicating this variant is rare. At this time, the clinical significance of this variant is uncertain due to the absence of conclusive functional and genetic evidence.